The following is an entry in ClinVar:

ClinVar aggregate classification (germline): Pathogenic. Review status: criteria provided, multiple submitters, no conflicts (2 of 4 stars). 2 submissions from 2 submitters: Pathogenic (2). Last evaluated 2025-06-26.

Conditions:
Congenital adrenal hyperplasia. Identifiers: Orphanet 418, MedGen C0001627, MONDO:0018479, HP:0008258.

Allele frequency attached by ClinVar (database versions not stated): gnomAD exomes below 0.00001 and 0.00001; gnomAD 0.00001.
gnomAD v4.1: 7 of 1,613,734 alleles (0.00043%); highest among the groups gnomAD compares: Non-Finnish European, 0.00059%; no homozygotes.

Submissions (2):

Women's Health and Genetics/Laboratory Corporation of America, LabCorp
Classification: Pathogenic for Congenital adrenal hyperplasia. Last evaluated: 2025-06-26. Review status: criteria provided, single submitter. Criteria: LabCorp Variant Classification Summary - May 2015. Collection method: clinical testing. Allele origin: germline.
Comment: Variant summary: HSD3B2 c.299A>G (p.Asn100Ser) results in a conservative amino acid change in the encoded protein sequence. Algorithms developed to predict the effect of missense changes on protein structure and function are either unavailable or do not agree on the potential impact of this missense change. The variant allele was found at a frequency of 8e-06 in 251036 control chromosomes. c.299A>G has been observed in individual(s) affected with Congenital Adrenal Hyperplasia (Mebarki_2995, McCartin_2000). These data indicate that the variant is likely to be associated with disease. At least one publication reports experimental evidence evaluating an impact on protein function. The most pronounced variant effect results in <10% of normal activity (Mebarki_2995). The following publications have been ascertained in the context of this evaluation (PMID: 10656999, 7608265). ClinVar contains an entry for this variant (Variation ID: 1457738). Based on the evidence outlined above, the variant was classified as pathogenic.

Labcorp Genetics (formerly Invitae), Labcorp
Classification: Pathogenic. Last evaluated: 2024-02-22. Review status: criteria provided, single submitter. Criteria: Invitae Variant Classification Sherloc (09022015). Collection method: clinical testing. Allele origin: germline.
Comment: This sequence change replaces asparagine, which is neutral and polar, with serine, which is neutral and polar, at codon 100 of the HSD3B2 protein (p.Asn100Ser). This variant is present in population databases (no rsID available, gnomAD no frequency). This missense change has been observed in individual(s) with congenital adrenal hyperplasia due to 3-beta-hydroxysteroid dehydrogenase deficiency (PMID: 7608265, 10656999). In at least one individual the data is consistent with being in trans (on the opposite chromosome) from a pathogenic variant. It has also been observed to segregate with disease in related individuals. ClinVar contains an entry for this variant (Variation ID: 1457738). Advanced modeling of protein sequence and biophysical properties (such as structural, functional, and spatial information, amino acid conservation, physicochemical variation, residue mobility, and thermodynamic stability) performed at Invitae indicates that this missense variant is expected to disrupt HSD3B2 protein function with a positive predictive value of 80%. Experimental studies have shown that this missense change affects HSD3B2 function (PMID: 7608265, 10599696). For these reasons, this variant has been classified as Pathogenic.

Literature cited by the submitters: PubMed 7608265 (cited by Women's Health and Genetics/Laboratory Corporation of America, LabCorp and Labcorp Genetics (formerly Invitae), Labcorp); PubMed 10656999 (cited by Women's Health and Genetics/Laboratory Corporation of America, LabCorp and Labcorp Genetics (formerly Invitae), Labcorp); PubMed 10599696 (cited by Labcorp Genetics (formerly Invitae), Labcorp).

NM_000198.4(HSD3B2):c.299A>G (p.Asn100Ser)

Gene: HSD3B2 (hydroxy-delta-5-steroid dehydrogenase, 3 beta- and steroid delta-isomerase 2; plus strand). Cytogenetic location: 1p12.
Variant type: single nucleotide variant.
Coding change: c.299A>G on transcript NM_000198.4 (MANE Select); coding-DNA position 299, A replaced by G.
Protein change: p.Asn100Ser; replaces asparagine 100 with serine.
Molecular consequence: missense variant.
Genome position (GRCh38, 1-based): chr1:119,419,574, A>G. VCF-style: chr1-119419574-A-G. GRCh37 (hg19) VCF-style: chr1-119962197-A-G.
Other names: c.299A>G, p.Asn100Ser (NM_001166120.2); short protein forms N100S.
Identifiers: ClinVar variation 1457738 (VCV001457738.10), dbSNP rs1388517943, ClinGen allele CA341395494.